The following is an entry in ClinVar:

NM_024675.4(PALB2):c.1161del (p.Pro388fs)

Gene: PALB2 (partner and localizer of BRCA2; minus strand). Cytogenetic location: 16p12.2.
Variant type: Deletion.
Coding change: c.1161del on transcript NM_024675.4 (MANE Select); coding-DNA position 1161, one base deleted (T; older notation c.1161delT).
Protein change: p.Pro388fs; shifts the reading frame from proline 388.
Molecular consequence: frameshift variant.
Genome position (GRCh38, 1-based): chr16:23,635,385, A deleted on the plus strand (T on the coding strand, the reverse complement: PALB2 is on the minus strand). VCF-style (leftmost placement, unchanged base first): chr16-23635384-GA-G. GRCh37 (hg19) VCF-style: chr16-23646705-GA-G.
Other names: short protein forms P388fs.
Identifiers: ClinVar variation 848156 (VCV000848156.8), dbSNP rs1966989564, ClinGen allele CA916081809.

ClinVar aggregate classification (germline): Pathogenic (1 of 4 stars; one submission).

Conditions:
Familial cancer of breast. Also called: BREAST CANCER, FAMILIAL; Hereditary breast cancer; hereditary breast carcinoma. Identifiers: Orphanet 227535, MedGen C0346153, MONDO:0016419, OMIM 114480. Disease mechanism: loss of function.

Submission:

Labcorp Genetics (formerly Invitae), Labcorp
Classification: Pathogenic for Familial cancer of breast. Last evaluated: 2019-11-19. Review status: criteria provided, single submitter. Criteria: Invitae Variant Classification Sherloc (09022015). Collection method: clinical testing. Allele origin: germline.
Comment: This sequence change creates a premature translational stop signal (p.Pro388Leufs*36) in the PALB2 gene. It is expected to result in an absent or disrupted protein product. This variant is not present in population databases (ExAC no frequency). This variant has not been reported in the literature in individuals with PALB2-related conditions. Loss-of-function variants in PALB2 are known to be pathogenic (PMID: 17200668, 24136930, 25099575). For these reasons, this variant has been classified as Pathogenic.

Literature cited by the submitters: PubMed 17200668; PubMed 24136930; PubMed 25099575.